The following is an entry in ClinVar:

NM_001267550.2(TTN):c.48751G>A (p.Asp16251Asn)

Genes: TTN (titin; minus strand), TTN-AS1 (TTN antisense RNA 1; plus strand), LOC126806426 (BRD4-independent group 4 enhancer GRCh37_chr2:179478848-179480047; plus strand). Cytogenetic location: 2q31.2.
Variant type: single nucleotide variant.
Coding change: c.48751G>A on transcript NM_001267550.2 (MANE Select); coding-DNA position 48751, G replaced by A.
Protein change: p.Asp16251Asn; replaces aspartic acid 16251 with asparagine.
Molecular consequence: missense variant.
Genome position (GRCh38, 1-based): chr2:178,614,856, C>T on the plus strand (G>A on the coding strand, the complement: TTN is on the minus strand). VCF-style: chr2-178614856-C-T. GRCh37 (hg19) VCF-style: chr2-179479583-C-T.
Other names: c.43828G>A, p.Asp14610Asn (NM_001256850.1); c.21556G>A, p.Asp7186Asn (NM_003319.4); c.41047G>A, p.Asp13683Asn (NM_133378.4); c.21931G>A, p.Asp7311Asn (NM_133432.3); c.22132G>A, p.Asp7378Asn (NM_133437.4); short protein forms D13683N, D16251N, D14610N, D7186N, D7378N, D7311N.
Identifiers: ClinVar variation 191953 (VCV000191953.45), dbSNP rs199954570, ClinGen allele CA237951.

ClinVar aggregate classification (germline): Uncertain significance. Review status: criteria provided, multiple submitters, no conflicts (2 of 4 stars). 4 submissions from 4 submitters: Uncertain significance (4). Last evaluated 2025-03-01.

Conditions:
Dilated cardiomyopathy 1G (CMD1G). Identifiers: Orphanet 154, MedGen C1858763, MONDO:0011400, OMIM 604145.
Autosomal recessive limb-girdle muscular dystrophy type 2J (LGMDR10). Also called: Limb-girdle muscular dystrophy, type 2J; MUSCULAR DYSTROPHY, LIMB-GIRDLE, AUTOSOMAL RECESSIVE 10. Identifiers: Orphanet 140922, MedGen C1837342, MONDO:0012127, OMIM 608807.
Myopathy, myofibrillar, 9, with early respiratory failure (MFM9). Also called: EDSTROM MYOPATHY; MYOPATHY, PROXIMAL, WITH EARLY RESPIRATORY MUSCLE INVOLVEMENT; Hereditary myopathy with early respiratory failure; Myopathy, distal, with early respiratory failure, autosomal dominant. Identifiers: Orphanet 178464, Orphanet 34521, MedGen C1863599, MONDO:0011362, OMIM 603689.
Tibial muscular dystrophy (TMD). Also called: Udd Distal Myopathy – Tibial Muscular Dystrophy; Tibial muscular dystrophy, tardive; UDD MYOPATHY. Identifiers: Orphanet 609, MedGen C1838244, MONDO:0010870, OMIM 600334.
Early-onset myopathy with fatal cardiomyopathy (CMYO5). Also called: CONGENITAL MYOPATHY 5 WITH CARDIOMYOPATHY; Salih Myopathy. Identifiers: Orphanet 289377, MedGen C2673677, MONDO:0012714, OMIM 611705. Disease mechanism: loss of function.
Hypertrophic cardiomyopathy 9. Also called: Familial hypertrophic cardiomyopathy 9. Identifiers: MedGen C1861065, MONDO:0013412, OMIM 613765.

Allele frequency attached by ClinVar (database versions not stated): gnomAD exomes 0.00003; TOPMed 0.00003; ExAC 0.00005; gnomAD 0.00006.
gnomAD v4.1: 48 of 1,571,762 alleles (0.0031%); highest among the groups gnomAD compares: Middle Eastern, 0.017%; no homozygotes.

Submissions (4):

CeGaT Center for Human Genetics Tuebingen
Classification: Uncertain significance. Last evaluated: 2025-03-01. Review status: criteria provided, single submitter. Criteria: CeGaT Center For Human Genetics Tuebingen Variant Classification Criteria Version 2. Collection method: clinical testing. Allele origin: germline. Affected: yes. Observed: 3 variant alleles.
Comment: TTN: PM2

Fulgent Genetics
Classification: Uncertain significance for Tibial muscular dystrophy; Myopathy, myofibrillar, 9, with early respiratory failure; Dilated cardiomyopathy 1G; Autosomal recessive limb-girdle muscular dystrophy type 2J; Early-onset myopathy with fatal cardiomyopathy; Hypertrophic cardiomyopathy 9. Last evaluated: 2021-09-16. Review status: criteria provided, single submitter. Criteria: ACMG Guidelines, 2015. Collection method: clinical testing. Allele origin: unknown.

Labcorp Genetics (formerly Invitae), Labcorp
Classification: Uncertain significance for Dilated cardiomyopathy 1G; Autosomal recessive limb-girdle muscular dystrophy type 2J. Last evaluated: 2017-06-28. Review status: criteria provided, single submitter. Criteria: Invitae Variant Classification Sherloc (09022015). Collection method: clinical testing. Allele origin: germline.

Biesecker Lab/Clinical Genomics Section, National Institutes of Health
Classification: Uncertain significance. Last evaluated: 2013-06-24. Review status: criteria provided, single submitter. Criteria: Ng et al. (Circ Cardiovasc Genet. 2013). Collection method: research. Allele origin: unknown. Observed: 1 variant allele. Study: ClinSeq.
Comment: The study set was not selected for affection status in relation to any cancer. Pathogenicity categories were based on literature curation. See Pubmed ID:23861362 for details.

Medical sequencing